The following is an entry in ClinVar:

ClinVar aggregate classification (germline): Uncertain significance (1 of 4 stars; one submission).

Submission:

Labcorp Genetics (formerly Invitae), Labcorp
Classification: Uncertain significance. Last evaluated: 2022-08-23. Review status: criteria provided, single submitter. Criteria: Invitae Variant Classification Sherloc (09022015). Collection method: clinical testing. Allele origin: germline.
Comment: This sequence change replaces threonine, which is neutral and polar, with methionine, which is neutral and non-polar, at codon 400 of the AHR protein (p.Thr400Met). This variant is present in population databases (rs757131411, gnomAD 0.004%). In summary, the available evidence is currently insufficient to determine the role of this variant in disease. Therefore, it has been classified as a Variant of Uncertain Significance. Algorithms developed to predict the effect of missense changes on protein structure and function output the following: SIFT: "Tolerated"; PolyPhen-2: "Benign"; Align-GVGD: "Class C0". The methionine amino acid residue is found in multiple mammalian species, which suggests that this missense change does not adversely affect protein function. ClinVar contains an entry for this variant (Variation ID: 1346465). This variant has not been reported in the literature in individuals affected with AHR-related conditions.

NM_001621.5(AHR):c.1199C>T (p.Thr400Met)

Gene: AHR (aryl hydrocarbon receptor; plus strand). Cytogenetic location: 7p21.1.
Variant type: single nucleotide variant.
Coding change: c.1199C>T on transcript NM_001621.5 (MANE Select); coding-DNA position 1199, C replaced by T.
Protein change: p.Thr400Met; replaces threonine 400 with methionine.
Molecular consequence: missense variant.
Genome position (GRCh38, 1-based): chr7:17,339,024, C>T. VCF-style: chr7-17339024-C-T. GRCh37 (hg19) VCF-style: chr7-17378648-C-T.
Other names: short protein forms T400M.
Identifiers: ClinVar variation 1346465 (VCV001346465.6), dbSNP rs757131411, ClinGen allele CA4172051.